The following is an entry in ClinVar:

NM_173648.4(CCDC141):c.2606A>G (p.Gln869Arg)

Gene: CCDC141 (coiled-coil domain containing 141; minus strand). Cytogenetic location: 2q31.2.
Variant type: single nucleotide variant.
Coding change: c.2606A>G on transcript NM_173648.4 (MANE Select); coding-DNA position 2606, A replaced by G.
Protein change: p.Gln869Arg; replaces glutamine 869 with arginine.
Molecular consequence: missense variant.
Genome position (GRCh38, 1-based): chr2:178,865,885, T>C on the plus strand (A>G on the coding strand, the complement: CCDC141 is on the minus strand). VCF-style: chr2-178865885-T-C. GRCh37 (hg19) VCF-style: chr2-179730612-T-C.
Other names: short protein forms Q869R.
Identifiers: ClinVar variation 2672853 (VCV002672853.23), dbSNP rs529827464, ClinGen allele CA2006963.

ClinVar aggregate classification (germline): Likely benign (1 of 4 stars; one submission).

Allele frequency attached by ClinVar (database versions not stated): gnomAD 0.00007; 1000 Genomes Project 0.00020; ExAC 0.00024; 1000 Genomes Project 30x 0.00062.
gnomAD v4.1: 146 of 1,597,226 alleles (0.0091%); highest among the groups gnomAD compares: South Asian, 0.14%; 1 homozygote.

Submission:

CeGaT Center for Human Genetics Tuebingen
Classification: Likely benign. Last evaluated: 2023-11-01. Review status: criteria provided, single submitter. Criteria: CeGaT Center For Human Genetics Tuebingen Variant Classification Criteria Version 2. Collection method: clinical testing. Allele origin: germline. Affected: yes. Observed: 1 variant allele.
Comment: CCDC141: BP4